The following is an entry in ClinVar:

NM_022124.6(CDH23):c.9629T>C (p.Ile3210Thr)

Gene: CDH23 (cadherin related 23; plus strand). Cytogenetic location: 10q22.1.
Variant type: single nucleotide variant.
Coding change: c.9629T>C on transcript NM_022124.6 (MANE Select); coding-DNA position 9629, T replaced by C.
Protein change: p.Ile3210Thr; replaces isoleucine 3210 with threonine.
Molecular consequence: missense variant.
Genome position (GRCh38, 1-based): chr10:71,812,886, T>C. VCF-style: chr10-71812886-T-C. GRCh37 (hg19) VCF-style: chr10-73572643-T-C.
Other names: DFNB12; c.2909T>C, p.Ile970Thr (NM_001171933.1, NM_001171934.1); c.320T>C, p.Ile107Thr (NM_001171935.1, NM_001171936.1); short protein forms I3210T, I107T, I970T.
Identifiers: ClinVar variation 178315 (VCV000178315.27), dbSNP rs144688588, ClinGen allele CA182092.

ClinVar aggregate classification (germline): Conflicting classifications of pathogenicity. Review status: criteria provided, conflicting classifications (1 of 4 stars). 11 submissions from 11 submitters: Uncertain significance (7); Likely benign (1). 3 of the submissions do not count toward it. Last evaluated 2026-08-11.

Conditions:
CDH23-related disorder. Also called: CDH23-related condition; CDH23-related disorders.
Usher syndrome type 1 (USH1). Also called: RETINITIS PIGMENTOSA AND CONGENITAL DEAFNESS. Identifiers: Orphanet 231169, Orphanet 886, MedGen C1568247, MONDO:0010168, OMIM 276900.
Autosomal recessive nonsyndromic hearing loss 12. Also called: DEAFNESS, AUTOSOMAL RECESSIVE 12. Identifiers: Orphanet 90636, MedGen C1832394, MONDO:0011067, OMIM 601386.
Usher syndrome type 1D (USH1D). Also called: USHER SYNDROME, TYPE ID. Identifiers: Orphanet 231169, Orphanet 886, MedGen C1832845, MONDO:0010984, OMIM 601067.

Allele frequency attached by ClinVar (database versions not stated): 1000 Genomes Project 30x 0.00016; 1000 Genomes Project 0.00020; ESP Exome Variant Server 0.00024; gnomAD 0.00025 and 0.00026; TOPMed 0.00026; gnomAD exomes 0.00033 and 0.00054; ExAC 0.00041.
gnomAD v4.1: 815 of 1,613,428 alleles (0.051%); highest among the groups gnomAD compares: Middle Eastern, 0.082%; no homozygotes.

Submissions (11):

PreventionGenetics, part of Exact Sciences
Classification: Uncertain significance for CDH23-related condition. Last evaluated: 2026-08-11. Review status: criteria provided, single submitter. Criteria: ACMG Guidelines, 2015. Collection method: clinical testing. Allele origin: germline.
Comment: The CDH23 c.9629T>C variant is predicted to result in the amino acid substitution p.Ile3210Thr. This variant was reported along with a second missense variant in a patient with Usher syndrome (Selcen et al. 2013. PubMed ID: 23794683). This variant was also reported in a large cohort of individuals with retinal disease; however, a second potentially causative variant in the same gene was not detected (supplementary data, Maggi et al. 2024. PubMed ID: 38928247). This variant is reported in 0.052% of alleles in individuals of European (Non-Finnish) descent in gnomAD, which may be too frequent to be a primary cause of disease. Although we suspect that this variant may be benign, at this time, the clinical significance of this variant is uncertain due to the absence of conclusive functional and genetic evidence.

Labcorp Genetics (formerly Invitae), Labcorp
Classification: Likely benign. Last evaluated: 2026-01-28. Review status: criteria provided, single submitter. Criteria: Invitae Variant Classification Sherloc (09022015). Collection method: clinical testing. Allele origin: germline.

Laboratory of Prof. Karen Avraham, Tel Aviv University
Classification: Uncertain significance for Autosomal recessive nonsyndromic hearing loss 12. Last evaluated: 2024-12-25. Review status: criteria provided, single submitter. Criteria: ACMG Guidelines, 2015. Collection method: research. Allele origin: germline. Affected: yes. Observed: 1 variant allele.
Comment: The CDH23 c.9629T>C:p.(Ile3210Thr) variant is extremely rare and predicted deleterious by all prediction programs.

Blueprint Genetics
Classification: Uncertain significance. Last evaluated: 2024-11-13. Review status: criteria provided, single submitter. Criteria: ACMG Guidelines, 2015. Collection method: clinical testing. Allele origin: germline.

GeneDx
Classification: Uncertain significance. Last evaluated: 2024-01-19. Review status: criteria provided, single submitter. Criteria: GeneDx Variant Classification Process June 2021. Collection method: clinical testing. Allele origin: germline. Affected: yes.
Comment: Identified with a second variant (phase unknown) in an individual with Usher syndrome in published literature (PMID: 23794683); In silico analysis supports that this missense variant does not alter protein structure/function; This variant is associated with the following publications: (PMID: 23794683)

Mayo Clinic Laboratories, Mayo Clinic
Classification: Uncertain significance. Last evaluated: 2023-02-09. Review status: criteria provided, single submitter. Criteria: ACMG Guidelines, 2015. Collection method: clinical testing. Allele origin: germline. Observed: 1 variant allele.
Comment: PM2_supporting

Genome-Nilou Lab
Classification: Uncertain significance for Usher syndrome type 1D. Last evaluated: 2021-06-10. Review status: criteria provided, single submitter. Criteria: ACMG Guidelines, 2015. Collection method: clinical testing. Allele origin: germline. Affected: no.

Laboratory for Molecular Medicine, Mass General Brigham Personalized Medicine
Classification: Uncertain significance. Last evaluated: 2020-06-01. Review status: criteria provided, single submitter. Criteria: LMM Criteria. Collection method: clinical testing. Allele origin: germline. Observed: 3 variant alleles.
Comment: The p.Ile3210Thr variant in CDH23 has been previously identified by our laboratory in 2 probands with hearing loss; however, a variant affecting the remaining copy of CDH23 was not identified in either proband, and an alternate explanation of the hearing loss was identified in one proband. This variant has been reported in ClinVar (Variation ID 178315), and has been identified in 0.05% (67/127654) of European chromosomes by gnomAD. Computational prediction tools and conservation analysis suggest that the p.Ile3210Thr variant may impact the protein, though this information is not predictive e nough to determine pathogenicity. In summary, the clinical significance of the p .Ile3210Thr variant is uncertain. ACMG/AMP criteria applied: PM2_Supporting, BP4.

Natera, Inc.
Classification: Uncertain significance for Usher syndrome type 1. Last evaluated: 2020-09-16. Review status: no assertion criteria provided. Collection method: clinical testing. Allele origin: germline. Not counted in ClinVar's aggregate classification.

Clinical Genetics DNA and cytogenetics Diagnostics Lab, Erasmus MC, Erasmus Medical Center
Classification: Uncertain significance. Review status: no assertion criteria provided. Collection method: clinical testing. Allele origin: germline. Affected: yes. Study: VKGL Data-share Consensus. Not counted in ClinVar's aggregate classification.

Clinical Genetics, Academic Medical Center
Classification: Uncertain significance. Review status: no assertion criteria provided. Collection method: clinical testing. Allele origin: germline. Affected: yes. Study: VKGL Data-share Consensus. Not counted in ClinVar's aggregate classification.

Literature cited by the submitters: PubMed 23794683 (cited by Mayo Clinic Laboratories, Mayo Clinic).